The following is an entry in ClinVar:

NM_007294.4(BRCA1):c.1703C>G (p.Pro568Arg)

Gene: BRCA1 (BRCA1 DNA repair associated; minus strand). Cytogenetic location: 17q21.31.
Variant type: single nucleotide variant.
Coding change: c.1703C>G on transcript NM_007294.4 (MANE Select); coding-DNA position 1703, C replaced by G.
Protein change: p.Pro568Arg; replaces proline 568 with arginine.
Molecular consequence: missense variant. On other transcripts: intron variant (137).
Genome position (GRCh38, 1-based): chr17:43,093,828, G>C on the plus strand (C>G on the coding strand, the complement: BRCA1 is on the minus strand). VCF-style: chr17-43093828-G-C. GRCh37 (hg19) VCF-style: chr17-41245845-G-C.
Other names: c.706+916C>G (NM_001408413.1, NM_001408416.1); c.586+916C>G (NM_001408476.1, NM_001408474.1); c.709+916C>G (NM_001408409.1, NM_001408414.1, NM_001408411.1 and 2 more transcripts); c.574+916C>G (NM_001408493.1, NM_001408490.1, NM_001408491.1); c.454+916C>G (NM_001408502.1); c.577+916C>G (NM_001408489.1, NM_001408479.1, NM_001408482.1 and 9 more transcripts); c.661+916C>G (NM_001408445.1, NM_001408432.1, NM_001408450.1 and 6 more transcripts); c.667+2018C>G (NM_001408431.1, NM_001408424.1, NM_001408421.1); and 40 more; short protein forms P568R, P521R, P456R, P479R, P480R, P501R, P520R, P526R.
Identifiers: ClinVar variation 54328 (VCV000054328.29), dbSNP rs80356910, ClinGen allele CA001116.

ClinVar aggregate classification (germline): Conflicting classifications of pathogenicity. Review status: criteria provided, conflicting classifications (1 of 4 stars). 7 submissions from 7 submitters: Uncertain significance (3); Likely benign (3). 1 of the submissions does not count toward it. Last evaluated 2025-04-23.

Conditions:
Hereditary cancer-predisposing syndrome. Also called: Tumor predisposition; Neoplastic Syndromes, Hereditary; Hereditary Cancer Syndrome; Hereditary neoplastic syndrome. Identifiers: Orphanet 140162, MedGen C0027672, MeSH D009386, MONDO:0015356.
Hereditary breast ovarian cancer syndrome. Also called: Hereditary breast and ovarian cancer syndrome (HBOC); Hereditary breast and ovarian cancer syndrome; Hereditary breast and ovarian cancer; Hereditary breast and/or ovarian cancer syndrome; Breast and ovarian cancer; BRCA1- and BRCA2-Associated Hereditary Breast and Ovarian Cancer. Identifiers: Orphanet 145, MedGen C0677776, MeSH D061325, MONDO:0003582. Disease mechanism: loss of function.
Breast-ovarian cancer, familial, susceptibility to, 1 (BROVCA1). Also called: OVARIAN CANCER, SUSCEPTIBILITY TO; BRCA1 Hereditary Breast and Ovarian Cancer. Identifiers: Orphanet 145, MedGen C2676676, MONDO:0011450, OMIM 604370. Disease mechanism: loss of function.

Allele frequency attached by ClinVar (database versions not stated): gnomAD exomes 0.00001; TOPMed 0.00001; ExAC 0.00002.
gnomAD v4.1: 8 of 1,613,200 alleles (0.0005%); highest among the groups gnomAD compares: Admixed American, 0.0017%; no homozygotes.

Submissions (7):

Ambry Genetics
Classification: Uncertain significance for Hereditary cancer-predisposing syndrome. Last evaluated: 2025-04-23. Review status: criteria provided, single submitter. Criteria: Ambry Variant Classification Scheme 2023. Collection method: clinical testing. Allele origin: germline.
Comment: The p.P568R variant (also known as c.1703C>G), located in coding exon 9 of the BRCA1 gene, results from a C to G substitution at nucleotide position 1703. The proline at codon 568 is replaced by arginine, an amino acid with dissimilar properties. This variant has been reported in one family from a cohort of 531 individuals referred for HBOC testing based on a significant family history of breast and/or ovarian cancer (Konecny M. et al. Breast Cancer Res. Treat. 2011;126(1):119-30). In a study of 1854 high-risk breast and/or ovarian cancer families in Italy, this variant was detected in one family (Azzollini J et al. Eur J Intern Med, 2016 Jul;32:65-71). This amino acid position is poorly conserved in available vertebrate species. In addition, this alteration is predicted to be deleterious by in silico analysis. Since supporting evidence is limited at this time, the clinical significance of this alteration remains unclear.

Labcorp Genetics (formerly Invitae), Labcorp
Classification: Likely benign for Hereditary breast ovarian cancer syndrome. Last evaluated: 2025-03-25. Review status: criteria provided, single submitter. Criteria: Invitae Variant Classification Sherloc (09022015). Collection method: clinical testing. Allele origin: germline.

Color Diagnostics, LLC DBA Color Health
Classification: Uncertain significance for Hereditary cancer-predisposing syndrome. Last evaluated: 2024-04-16. Review status: criteria provided, single submitter. Criteria: ACMG Guidelines, 2015. Collection method: clinical testing. Allele origin: germline.
Comment: This missense variant replaces proline with arginine at codon 568 of the BRCA1 protein. Computational prediction is inconclusive regarding the impact of this variant on protein structure and function. To our knowledge, functional studies have not been reported for this variant. This variant has been reported in two suspected hereditary breast and ovarian cancer families (PMID: 21203900, 27062684), and a multifactorial analysis has reported likelihood ratios for pathogenicity based on tumor pathology, co-occurrence with a pathogenic variant and family history of 0.21, 1.0673 and 0.3838, respectively (PMID: 31131967). This variant has been identified in 2/250428 chromosomes in the general population by the Genome Aggregation Database (gnomAD). The available evidence is insufficient to determine the role of this variant in disease conclusively. Therefore, this variant is classified as a Variant of Uncertain Significance.

All of Us Research Program, National Institutes of Health
Classification: Uncertain significance for Breast-ovarian cancer, familial, susceptibility to, 1. Last evaluated: 2023-10-02. Review status: criteria provided, single submitter. Criteria: ACMG Guidelines, 2015. Collection method: clinical testing. Allele origin: germline. Inheritance: Autosomal dominant inheritance. Observed: 2 variant alleles, 2 heterozygotes.
Comment: This missense variant replaces proline with arginine at codon 568 of the BRCA1 protein. Computational prediction is inconclusive regarding the impact of this variant on protein structure and function (internally defined REVEL score threshold 0.5 < inconclusive < 0.7, PMID: 27666373). To our knowledge, functional studies have not been reported for this variant. This variant has been reported in two suspected hereditary breast and ovarian cancer families (PMID: 21203900, 27062684), and a multifactorial analysis has reported likelihood ratios for pathogenicity based on tumor pathology, co-occurrence with a pathogenic variant and family history of 0.21, 1.0673 and 0.3838, respectively (PMID: 31131967). This variant has been identified in 2/250428 chromosomes in the general population by the Genome Aggregation Database (gnomAD). The available evidence is insufficient to determine the role of this variant in disease conclusively. Therefore, this variant is classified as a Variant of Uncertain Significance.

This study involves interpretation of variants in research participants for the purpose of population health screening. Participant phenotype was not available at the time of variant classification. Additional details can be found in publication PMID: 35346344, PMCID: PMC8962531

University of Washington Department of Laboratory Medicine, University of Washington
Classification: Likely benign for Hereditary cancer-predisposing syndrome. Last evaluated: 2023-03-23. Review status: criteria provided, single submitter. Criteria: Dines et al. (Genet Med. 2020). Collection method: curation. Allele origin: germline.
Comment: Missense variant in a coldspot region where missense variants are very unlikely to be pathogenic (PMID:31911673).

BRCA1 coldspot (exon 11 using historical exon numbering). Reclassification based on statistical prior probability

GeneDx
Classification: Likely benign. Last evaluated: 2020-09-08. Review status: criteria provided, single submitter. Criteria: GeneDx Variant Classification Process June 2021. Collection method: clinical testing. Allele origin: germline. Affected: yes.
Comment: This variant is associated with the following publications: (PMID: 15385441, 10923033, 27062684, 31131967, 21203900, 33087888)

Breast Cancer Information Core (BIC) (BRCA1)
Classification: Uncertain significance for Breast-ovarian cancer, familial 1. Last evaluated: 2004-02-20. Review status: no assertion criteria provided. Collection method: clinical testing. Allele origin: germline. Affected: yes. Observed: 1 variant allele. Not counted in ClinVar's aggregate classification.

Literature cited by the submitters: PubMed 21203900 (cited by 3 submitters); PubMed 27062684 (cited by 3 submitters); PubMed 31131967 (cited by Color Diagnostics, LLC DBA Color Health and All of Us Research Program, National Institutes of Health).